The following is an entry in ClinVar:

ClinVar aggregate classification (germline): Uncertain significance (1 of 4 stars; one submission).

Allele frequency attached by ClinVar (database versions not stated): gnomAD exomes below 0.00001.
gnomAD v4.1: 1 of 1,610,678 alleles (0.000062%); highest among the groups gnomAD compares: South Asian, 0.0011%; no homozygotes.

Submission:

Ambry Genetics
Classification: Uncertain significance. Last evaluated: 2022-12-25. Review status: criteria provided, single submitter. Criteria: Ambry Variant Classification Scheme 2023. Collection method: clinical testing. Allele origin: germline.
Comment: The p.R624K variant (also known as c.1871G>A), located in coding exon 10 of the PKP4 gene, results from a G to A substitution at nucleotide position 1871. The arginine at codon 624 is replaced by lysine, an amino acid with highly similar properties. This amino acid position is conserved. In addition, the in silico prediction for this alteration is inconclusive. Since supporting evidence is limited at this time, the clinical significance of this alteration remains unclear.

NM_003628.6(PKP4):c.1871G>A (p.Arg624Lys)

Gene: PKP4 (plakophilin 4; plus strand). Cytogenetic location: 2q24.1.
Variant type: single nucleotide variant.
Coding change: c.1871G>A on transcript NM_003628.6 (MANE Select); coding-DNA position 1871, G replaced by A.
Protein change: p.Arg624Lys; replaces arginine 624 with lysine.
Molecular consequence: missense variant.
Genome position (GRCh38, 1-based): chr2:158,642,661, G>A. VCF-style: chr2-158642661-G-A. GRCh37 (hg19) VCF-style: chr2-159499173-G-A.
Other names: c.1871G>A, p.Arg624Lys (NM_001005476.4, NM_001304971.2, NM_001377218.1 and 1 more transcripts); c.1868G>A, p.Arg623Lys (NM_001304969.3, NM_001377219.1, NM_001377220.1 and 2 more transcripts); c.842G>A, p.Arg281Lys (NM_001304970.3); c.1865G>A, p.Arg622Lys (NM_001377222.1, NM_001377223.1); c.1862G>A, p.Arg621Lys (NM_001377224.1); short protein forms R621K, R624K, R623K, R281K, R622K.
Identifiers: ClinVar variation 2448021 (VCV002448021.2), dbSNP rs1168491336, ClinGen allele CA348913233.